The following is an entry in ClinVar:

NM_020207.7(ERCC6L2):c.2837G>A (p.Arg946Gln)

Gene: ERCC6L2 (ERCC excision repair 6 like 2; plus strand). Cytogenetic location: 9q22.32.
Variant type: single nucleotide variant.
Coding change: c.2837G>A on transcript NM_020207.7 (MANE Select); coding-DNA position 2837, G replaced by A.
Protein change: p.Arg946Gln; replaces arginine 946 with glutamine.
Molecular consequence: missense variant. On other transcripts: non-coding transcript variant (1).
Genome position (GRCh38, 1-based): chr9:95,972,588, G>A. VCF-style: chr9-95972588-G-A. GRCh37 (hg19) VCF-style: chr9-98734870-G-A.
Other names: c.2837G>A, p.Arg946Gln (NM_001375291.1, NM_001375292.1, NM_001375293.1 and 1 more transcripts); short protein forms R946Q.
Identifiers: ClinVar variation 1512927 (VCV001512927.4), dbSNP rs576823539, ClinGen allele CA196597638.

ClinVar aggregate classification (germline): Uncertain significance. Review status: criteria provided, multiple submitters, no conflicts (2 of 4 stars). 2 submissions from 2 submitters: Uncertain significance (2). Last evaluated 2024-08-06.

Allele frequency attached by ClinVar (database versions not stated): gnomAD exomes 0.00005 and 0.00006; gnomAD 0.00008 and 0.00009; TOPMed 0.00008; 1000 Genomes Project 30x 0.00016; 1000 Genomes Project 0.00020.
gnomAD v4.1: 72 of 1,289,386 alleles (0.0056%); highest among the groups gnomAD compares: African/African-American, 0.0076%; no homozygotes.

Submissions (2):

Blueprint Genetics
Classification: Uncertain significance. Last evaluated: 2024-08-06. Review status: criteria provided, single submitter. Criteria: ACMG Guidelines, 2015. Collection method: clinical testing. Allele origin: germline.

Labcorp Genetics (formerly Invitae), Labcorp
Classification: Uncertain significance. Last evaluated: 2021-09-19. Review status: criteria provided, single submitter. Criteria: Invitae Variant Classification Sherloc (09022015). Collection method: clinical testing. Allele origin: germline.
Comment: This sequence change replaces arginine with glutamine at codon 957 of the ERCC6L2 protein (p.Arg957Gln). The arginine residue is weakly conserved and there is a small physicochemical difference between arginine and glutamine. The frequency data for this variant in the population databases is considered unreliable, as metrics indicate insufficient coverage at this position in the ExAC database. This variant has not been reported in the literature in individuals affected with ERCC6L2-related conditions. Algorithms developed to predict the effect of missense changes on protein structure and function are either unavailable or do not agree on the potential impact of this missense change (SIFT: "Tolerated"; PolyPhen-2: "Not Available"; Align-GVGD: "Class C0"). In summary, the available evidence is currently insufficient to determine the role of this variant in disease. Therefore, it has been classified as a Variant of Uncertain Significance.